The following is an entry in ClinVar:

ClinVar aggregate classification (germline): Likely benign (0 of 4 stars; one submission).

Conditions:
WNT4-related disorder. Also called: WNT4-related condition.

gnomAD v4.1: 3 of 1,614,044 alleles (0.00019%); highest among the groups gnomAD compares: African/African-American, 0.0013%; no homozygotes.

Submission:

PreventionGenetics, part of Exact Sciences
Classification: Likely benign for WNT4-related condition. Last evaluated: 2021-06-24. Review status: no assertion criteria provided. Collection method: clinical testing. Allele origin: germline.
Comment: This variant is classified as likely benign based on ACMG/AMP sequence variant interpretation guidelines (Richards et al. 2015 PMID: 25741868, with internal and published modifications).

NM_030761.5(WNT4):c.126G>C (p.Thr42=)

Gene: WNT4 (Wnt family member 4; minus strand). Cytogenetic location: 1p36.12.
Variant type: single nucleotide variant.
Coding change: c.126G>C on transcript NM_030761.5 (MANE Select); coding-DNA position 126, G replaced by C.
Protein change: p.Thr42=; no amino-acid change (threonine 42 retained).
Molecular consequence: synonymous variant.
Genome position (GRCh38, 1-based): chr1:22,129,803, C>G on the plus strand (G>C on the coding strand, the complement: WNT4 is on the minus strand). VCF-style: chr1-22129803-C-G. GRCh37 (hg19) VCF-style: chr1-22456296-C-G.
Identifiers: ClinVar variation 3061199 (VCV003061199.2), dbSNP rs779327911, ClinGen allele CA416559305.